The following is an entry in ClinVar:

NM_015047.3(EMC1):c.1633-13_1633-10del

Genes: EMC1 (ER membrane protein complex subunit 1; minus strand), EMC1-AS1 (EMC1 antisense RNA 1; plus strand). Cytogenetic location: 1p36.13.
Variant type: Deletion.
Coding change: c.1633-13_1633-10del on transcript NM_015047.3 (MANE Select); 13 bases into the intron before coding-DNA position 1633 through 10 bases into the intron before coding-DNA position 1633, 4 bases deleted (GTTT; older notation c.1633-13_1633-10delGTTT).
Molecular consequence: intron variant.
Genome position (GRCh38, 1-based): chr1:19,232,783-19,232,786, AAAC deleted on the plus strand (GTTT on the coding strand, the reverse complement: EMC1 is on the minus strand); deleting any 4 consecutive bases within chr1:19,232,783-19,232,789 gives the same sequence; the c. name uses the placement nearest the transcript's 3' end. VCF-style (leftmost placement, unchanged base first): chr1-19232782-TAAAC-T. GRCh37 (hg19) VCF-style: chr1-19559276-TAAAC-T.
Other names: c.1567-13_1567-10del (NM_001271429.2); c.1630-13_1630-10del (NM_001271427.2, NM_001271428.2); c.1639-13_1639-10del (NM_001375821.1); c.1642-13_1642-10del (NM_001375820.1).
Identifiers: ClinVar variation 2966239 (VCV002966239.3), dbSNP rs1217450576, ClinGen allele CA521897319.

ClinVar aggregate classification (germline): Uncertain significance (1 of 4 stars; one submission).

Submission:

Labcorp Genetics (formerly Invitae), Labcorp
Classification: Uncertain significance. Last evaluated: 2023-09-25. Review status: criteria provided, single submitter. Criteria: Invitae Variant Classification Sherloc (09022015). Collection method: clinical testing. Allele origin: germline.
Comment: In summary, the available evidence is currently insufficient to determine the role of this variant in disease. Therefore, it has been classified as a Variant of Uncertain Significance. Algorithms developed to predict the effect of sequence changes on RNA splicing suggest that this variant may disrupt the consensus splice site. This variant has not been reported in the literature in individuals affected with EMC1-related conditions. This variant is present in population databases (no rsID available, gnomAD 0.002%). This sequence change falls in intron 14 of the EMC1 gene. It does not directly change the encoded amino acid sequence of the EMC1 protein.